The following is an entry in ClinVar:

ClinVar aggregate classification (germline): Uncertain significance (1 of 4 stars; one submission).

Conditions:
Malignant hyperthermia, susceptibility to, 1 (MHS1). Also called: Anesthesia related hyperthermia; Malignant hyperpyrexia; Fulminating hyperpyrexia; Pharmacogenic myopathy; RYR1-Related Malignant Hyperthermia Susceptibility; Malignant hyperthermia suceptibility 1. Identifiers: Orphanet 423, MedGen C2930980, MONDO:0007783, OMIM 145600.

Submission:

All of Us Research Program, National Institutes of Health
Classification: Uncertain significance for Malignant hyperthermia, susceptibility to, 1. Last evaluated: 2024-03-05. Review status: criteria provided, single submitter. Criteria: ACMG Guidelines, 2015. Collection method: clinical testing. Allele origin: germline. Inheritance: Autosomal dominant inheritance. Observed: 1 variant allele, 1 heterozygote.
Comment: This study involves interpretation of variants in research participants for the purpose of population health screening. Participant phenotype was not available at the time of variant classification. Additional details can be found in publication PMID: 35346344, PMCID: PMC8962531

NM_000540.3(RYR1):c.5444T>C (p.Leu1815Pro)

Gene: RYR1 (ryanodine receptor 1; plus strand). Cytogenetic location: 19q13.2.
Variant type: single nucleotide variant.
Coding change: c.5444T>C on transcript NM_000540.3 (MANE Select); coding-DNA position 5444, T replaced by C.
Protein change: p.Leu1815Pro; replaces leucine 1815 with proline.
Molecular consequence: missense variant.
Genome position (GRCh38, 1-based): chr19:38,486,099, T>C. VCF-style: chr19-38486099-T-C. GRCh37 (hg19) VCF-style: chr19-38976739-T-C.
Other names: c.5444T>C, p.Leu1815Pro (NM_001042723.2); short protein forms L1815P.
Identifiers: ClinVar variation 3387739 (VCV003387739.1).
Genomic context (GRCh38, chr19:38,486,099, plus strand): 5'-CGGCCCGCCTCAGCCCTGCCATCCCGCTGGAGGCCCTGCGGGACAAGGCACTGAGGATGC[T>C]GGGGGAGGCGGTGCGCGACGGTGGGCAGCACGCTCGCGACCCCGTCGGGGGCTCCGTGGA-3'
Protein context (NP_000531.2, residues 1805-1825): EALRDKALRM[Leu1815Pro]GEAVRDGGQH